The following is an entry in ClinVar:

ClinVar aggregate classification (germline): Uncertain significance (1 of 4 stars; one submission).

gnomAD v4.1: 1 of 1,613,990 alleles (0.000062%); highest among the groups gnomAD compares: Non-Finnish European, 0.000085%; no homozygotes.

Submission:

CeGaT Center for Human Genetics Tuebingen
Classification: Uncertain significance. Last evaluated: 2025-12-01. Review status: criteria provided, single submitter. Criteria: CeGaT Center For Human Genetics Tuebingen Variant Classification Criteria Version 2. Collection method: clinical testing. Allele origin: germline. Affected: yes. Observed: 1 variant allele.
Comment: ARFGEF1: PM2

NM_006421.5(ARFGEF1):c.5102A>G (p.Glu1701Gly)

Gene: ARFGEF1 (ARF guanine nucleotide exchange factor 1; minus strand). Cytogenetic location: 8q13.2.
Variant type: single nucleotide variant.
Coding change: c.5102A>G on transcript NM_006421.5 (MANE Select); coding-DNA position 5102, A replaced by G.
Protein change: p.Glu1701Gly; replaces glutamic acid 1701 with glycine.
Molecular consequence: missense variant. On other transcripts: non-coding transcript variant (1).
Genome position (GRCh38, 1-based): chr8:67,203,109, T>C on the plus strand (A>G on the coding strand, the complement: ARFGEF1 is on the minus strand). VCF-style: chr8-67203109-T-C. GRCh37 (hg19) VCF-style: chr8-68115344-T-C.
Other names: c.5102A>G, p.Glu1701Gly (NM_001413184.1, NM_001413187.1, NM_001413194.1); c.5084A>G, p.Glu1695Gly (NM_001413185.1, NM_001413186.1, NM_001413189.1); c.4502A>G, p.Glu1501Gly (NM_001413188.1, NM_001413197.1); c.5096A>G, p.Glu1699Gly (NM_001413190.1); c.5006A>G, p.Glu1669Gly (NM_001413191.1); c.4988A>G, p.Glu1663Gly (NM_001413192.1); c.4484A>G, p.Glu1495Gly (NM_001413193.1); c.3677A>G, p.Glu1226Gly (NM_001413196.1); short protein forms E1226G, E1495G, E1501G, E1663G, E1669G, E1695G, E1699G, E1701G.
Identifiers: ClinVar variation 4681909 (VCV004681909.5).